The following is an entry in ClinVar:

ClinVar aggregate classification (germline): Pathogenic (1 of 4 stars; one submission).

Conditions:
Ehlers-Danlos syndrome, classic type, 1 (EDSCL1). Also called: Ehlers-Danlos Syndrome, Classic Type, COL5A1-Related; EHLERS-DANLOS SYNDROME, GRAVIS TYPE; EHLERS-DANLOS SYNDROME, SEVERE CLASSIC TYPE; Ehlers-Danlos syndrome, type 1; EDS I. Identifiers: MedGen C0268335, MONDO:0019567, OMIM 130000.
Osteogenesis imperfecta type I (OI1). Also called: OI, TYPE I; OSTEOGENESIS IMPERFECTA TARDA; OSTEOGENESIS IMPERFECTA WITH BLUE SCLERAE; Osteogenesis imperfecta type 1; Classic Non-deforming Osteogenesis Imperfecta with Blue Sclerae; Lobstein's Disease. Identifiers: Orphanet 216796, Orphanet 666, MedGen C0023931, MONDO:0008146, OMIM 166200. Disease mechanism: loss of function.

Submission:

Labcorp Genetics (formerly Invitae), Labcorp
Classification: Pathogenic for Osteogenesis imperfecta type I; Ehlers-Danlos syndrome, classic type, 1. Last evaluated: 2023-04-29. Review status: criteria provided, single submitter. Criteria: Invitae Variant Classification Sherloc (09022015). Collection method: clinical testing. Allele origin: germline.
Comment: For these reasons, this variant has been classified as Pathogenic. Algorithms developed to predict the effect of sequence changes on RNA splicing suggest that this variant may disrupt the consensus splice site. ClinVar contains an entry for this variant (Variation ID: 2136571). Disruption of this splice site has been observed in individual(s) with autosomal dominant osteogenesis imperfecta (PMID: 15241796, 25944380, 26177859, 29595812). In at least one individual the variant was observed to be de novo. This variant is not present in population databases (gnomAD no frequency). This sequence change affects a donor splice site in intron 43 of the COL1A2 gene. It is expected to disrupt RNA splicing. Variants that disrupt the donor or acceptor splice site typically lead to a loss of protein function (PMID: 16199547), and loss-of-function variants in COL1A2 are known to be pathogenic (PMID: 11288717, 15077201).

Literature cited by the submitters: PubMed 15241796; PubMed 25944380; PubMed 26177859; PubMed 29595812; PubMed 16199547; PubMed 11288717; PubMed 15077201.

NM_000089.4(COL1A2):c.2835+1G>T

Gene: COL1A2 (collagen type I alpha 2 chain; plus strand). Cytogenetic location: 7q21.3.
Variant type: single nucleotide variant.
Coding change: c.2835+1G>T on transcript NM_000089.4 (MANE Select); the canonical splice donor site of the intron after coding-DNA position 2835, G replaced by T.
Molecular consequence: splice donor variant.
Genome position (GRCh38, 1-based): chr7:94,425,664, G>T. VCF-style: chr7-94425664-G-T. GRCh37 (hg19) VCF-style: chr7-94054976-G-T.
Identifiers: ClinVar variation 2136571 (VCV002136571.4), dbSNP rs72659310, ClinGen allele CA368224720.